The following is an entry in ClinVar:

ClinVar aggregate classification (germline): Uncertain significance (1 of 4 stars; one submission).

Conditions:
Pyridoxal phosphate-responsive seizures (PNPOD). Also called: EPILEPTIC ENCEPHALOPATHY, NEONATAL, PNPO-RELATED; SEIZURES, PYRIDOXINE-RESISTANT, PLP-SENSITIVE; Pyridoxamine 5-Prime-Phosphate Oxidase Deficiency; Pyridoxine-5'-phosphate oxidase deficiency; Pyridoxal 5'-Phosphate (PLP)-Dependent Epilepsy. Identifiers: Orphanet 79096, MedGen C1864723, MONDO:0012407, OMIM 610090. Disease mechanism: loss of function.

gnomAD v4.1: 7 of 1,568,326 alleles (0.00045%); highest among the groups gnomAD compares: Non-Finnish European, 0.00052%; no homozygotes.

Submission:

Labcorp Genetics (formerly Invitae), Labcorp
Classification: Uncertain significance for Pyridoxal phosphate-responsive seizures. Last evaluated: 2021-10-24. Review status: criteria provided, single submitter. Criteria: Invitae Variant Classification Sherloc (09022015). Collection method: clinical testing. Allele origin: germline.
Comment: This variant is not present in population databases (ExAC no frequency). This variant has not been reported in the literature in individuals affected with PNPO-related conditions. Algorithms developed to predict the effect of missense changes on protein structure and function are either unavailable or do not agree on the potential impact of this missense change (SIFT: "Tolerated"; PolyPhen-2: "Possibly Damaging"; Align-GVGD: "Class C0"). In summary, the available evidence is currently insufficient to determine the role of this variant in disease. Therefore, it has been classified as a Variant of Uncertain Significance. This sequence change replaces glycine with arginine at codon 43 of the PNPO protein (p.Gly43Arg). The glycine residue is weakly conserved and there is a moderate physicochemical difference between glycine and arginine.

NM_018129.4(PNPO):c.127G>C (p.Gly43Arg)

Gene: PNPO (pyridoxamine 5'-phosphate oxidase; plus strand). Cytogenetic location: 17q21.32.
Variant type: single nucleotide variant.
Coding change: c.127G>C on transcript NM_018129.4 (MANE Select); coding-DNA position 127, G replaced by C.
Protein change: p.Gly43Arg; replaces glycine 43 with arginine.
Molecular consequence: missense variant.
Genome position (GRCh38, 1-based): chr17:47,941,802, G>C. VCF-style: chr17-47941802-G-C. GRCh37 (hg19) VCF-style: chr17-46019168-G-C.
Other names: short protein forms G43R.
Identifiers: ClinVar variation 1499132 (VCV001499132.6), dbSNP rs867426939, ClinGen allele CA400055155.